The following is an entry in ClinVar:

NM_020738.4(KIDINS220):c.2933G>A (p.Arg978Gln)

Gene: KIDINS220 (kinase D interacting substrate 220; minus strand). Cytogenetic location: 2p25.1.
Variant type: single nucleotide variant.
Coding change: c.2933G>A on transcript NM_020738.4 (MANE Select); coding-DNA position 2933, G replaced by A.
Protein change: p.Arg978Gln; replaces arginine 978 with glutamine.
Molecular consequence: missense variant. On other transcripts: non-coding transcript variant (2).
Genome position (GRCh38, 1-based): chr2:8,770,748, C>T on the plus strand (G>A on the coding strand, the complement: KIDINS220 is on the minus strand). VCF-style: chr2-8770748-C-T. GRCh37 (hg19) VCF-style: chr2-8910878-C-T.
Other names: c.2936G>A, p.Arg979Gln (NM_001348729.2, NM_001348731.2, NM_001348734.2 and 3 more transcripts); c.2933G>A, p.Arg978Gln (NM_001348732.2, NM_001348735.2, NM_001348738.2 and 3 more transcripts); c.2807G>A, p.Arg936Gln (NM_001348736.2); short protein forms R978Q, R936Q, R979Q.
Identifiers: ClinVar variation 4982511 (VCV004982511.1).
Genomic context (GRCh38, chr2:8,770,748, plus strand): 5'-AATGTCATTTGATCTGGAATACCTTCAGTCTCTTCCAAATATAATATGAGCCATGAAGTC[C>T]GGTATGGCCACTGCTCAGTAAGGTTGATCCAGCTAGCAAGCCTGTCCCAGTTGAAACTAA-3'
Protein context (NP_065789.1, residues 968-988): WINLTEQWPY[Arg978Gln]TSWLILYLEE

ClinVar aggregate classification (germline): Uncertain significance (1 of 4 stars; one submission).

Conditions:
KIDINS220-related disorder. Also called: KIDINS220-related condition.

Submission:

PreventionGenetics, part of Exact Sciences
Classification: Uncertain significance for KIDINS220-related condition. Last evaluated: 2025-05-29. Review status: criteria provided, single submitter. Criteria: ACMG Guidelines, 2015. Collection method: clinical testing. Allele origin: germline.
Comment: The KIDINS220 c.2933G>A variant is predicted to result in the amino acid substitution p.Arg978Gln. To our knowledge, this variant has not been reported in the literature or in a large population database (gnomAD), indicating this variant is rare. At this time, the clinical significance of this variant is uncertain due to the absence of conclusive functional and genetic evidence.